The following is an entry in ClinVar:

NM_000553.6(WRN):c.3445G>C (p.Glu1149Gln)

Gene: WRN (WRN RecQ like helicase; plus strand). Cytogenetic location: 8p12.
Variant type: single nucleotide variant.
Coding change: c.3445G>C on transcript NM_000553.6 (MANE Select); coding-DNA position 3445, G replaced by C.
Protein change: p.Glu1149Gln; replaces glutamic acid 1149 with glutamine.
Molecular consequence: missense variant.
Genome position (GRCh38, 1-based): chr8:31,147,114, G>C. VCF-style: chr8-31147114-G-C. GRCh37 (hg19) VCF-style: chr8-31004630-G-C.
Other names: short protein forms E1149Q.
Identifiers: ClinVar variation 2768264 (VCV002768264.3), dbSNP rs2536042026, ClinGen allele CA370925496.

ClinVar aggregate classification (germline): Uncertain significance (1 of 4 stars; one submission).

Conditions:
Werner syndrome (WRN). Identifiers: Orphanet 902, MedGen C0043119, MONDO:0010196, OMIM 277700.

Allele frequency attached by ClinVar (database versions not stated): gnomAD exomes below 0.00001.
gnomAD v4.1: 1 of 1,613,886 alleles (0.000062%); highest among the groups gnomAD compares: Non-Finnish European, 0.000085%; no homozygotes.

Submission:

Labcorp Genetics (formerly Invitae), Labcorp
Classification: Uncertain significance for Werner syndrome. Last evaluated: 2023-10-14. Review status: criteria provided, single submitter. Criteria: Invitae Variant Classification Sherloc (09022015). Collection method: clinical testing. Allele origin: germline.
Comment: This sequence change replaces glutamic acid, which is acidic and polar, with glutamine, which is neutral and polar, at codon 1149 of the WRN protein (p.Glu1149Gln). This variant is not present in population databases (gnomAD no frequency). This variant has not been reported in the literature in individuals affected with WRN-related conditions. An algorithm developed to predict the effect of missense changes on protein structure and function (PolyPhen-2) suggests that this variant is likely to be disruptive. In summary, the available evidence is currently insufficient to determine the role of this variant in disease. Therefore, it has been classified as a Variant of Uncertain Significance.